The following is an entry in ClinVar:

ClinVar aggregate classification (germline): Uncertain significance (1 of 4 stars; one submission).

gnomAD v4.1: 4 of 1,614,168 alleles (0.00025%); highest among the groups gnomAD compares: Non-Finnish European, 0.00034%; no homozygotes.

Submission:

Labcorp Genetics (formerly Invitae), Labcorp
Classification: Uncertain significance. Last evaluated: 2023-07-30. Review status: criteria provided, single submitter. Criteria: Invitae Variant Classification Sherloc (09022015). Collection method: clinical testing. Allele origin: germline.
Comment: This variant is present in population databases (rs782738899, gnomAD 0.0009%). In summary, the available evidence is currently insufficient to determine the role of this variant in disease. Therefore, it has been classified as a Variant of Uncertain Significance. Advanced modeling of protein sequence and biophysical properties (such as structural, functional, and spatial information, amino acid conservation, physicochemical variation, residue mobility, and thermodynamic stability) performed at Invitae indicates that this missense variant is not expected to disrupt KMT2A protein function. ClinVar contains an entry for this variant (Variation ID: 1406957). This variant has not been reported in the literature in individuals affected with KMT2A-related conditions. This sequence change replaces lysine, which is basic and polar, with arginine, which is basic and polar, at codon 3223 of the KMT2A protein (p.Lys3223Arg).

NM_001197104.2(KMT2A):c.9668A>G (p.Lys3223Arg)

Gene: KMT2A (lysine methyltransferase 2A; plus strand). Cytogenetic location: 11q23.3.
Variant type: single nucleotide variant.
Coding change: c.9668A>G on transcript NM_001197104.2 (MANE Select); coding-DNA position 9668, A replaced by G.
Protein change: p.Lys3223Arg; replaces lysine 3223 with arginine.
Molecular consequence: missense variant.
Genome position (GRCh38, 1-based): chr11:118,505,560, A>G. VCF-style: chr11-118505560-A-G. GRCh37 (hg19) VCF-style: chr11-118376275-A-G.
Other names: c.9659A>G, p.Lys3220Arg (NM_005933.4); short protein forms K3220R, K3223R.
Identifiers: ClinVar variation 1406957 (VCV001406957.6), dbSNP rs782738899, ClinGen allele CA6304628.